The following is an entry in ClinVar:

ClinVar aggregate classification (germline): Conflicting classifications of pathogenicity. Review status: criteria provided, conflicting classifications (1 of 4 stars). 2 submissions from 2 submitters: Likely pathogenic (1); Uncertain significance (1). Last evaluated 2025-08-14.

Conditions:
Hereditary hemorrhagic telangiectasia (HHT). Also called: ORW DISEASE; Osler Weber Rendu syndrome; OSLER-RENDU-WEBER DISEASE; Osler hemorrhagic telangiectasia syndrome. Identifiers: Orphanet 774, MedGen C0039445, MONDO:0019180. Disease mechanism: loss of function.
Cardiovascular phenotype. Identifiers: MedGen CN230736.

Submissions (2):

Labcorp Genetics (formerly Invitae), Labcorp
Classification: Uncertain significance for Hereditary hemorrhagic telangiectasia. Last evaluated: 2025-08-14. Review status: criteria provided, single submitter. Criteria: Invitae Variant Classification Sherloc (09022015). Collection method: clinical testing. Allele origin: germline.
Comment: This variant, c.509_511del, results in the deletion of 1 amino acid(s) of the ENG protein (p.Leu170del), but otherwise preserves the integrity of the reading frame. This variant is not present in population databases (gnomAD no frequency). This variant has not been reported in the literature in individuals affected with ENG-related conditions. Experimental studies and prediction algorithms are not available or were not evaluated, and the functional significance of this variant is currently unknown. In summary, the available evidence is currently insufficient to determine the role of this variant in disease. Therefore, it has been classified as a Variant of Uncertain Significance.

Ambry Genetics
Classification: Likely pathogenic for Cardiovascular phenotype. Last evaluated: 2021-07-26. Review status: criteria provided, single submitter. Criteria: Ambry Variant Classification Scheme 2023. Collection method: clinical testing. Allele origin: germline.
Comment: The c.509_511delTCC variant (also known as p.L170del) is located in coding exon 4 of the ENG gene. This variant results from an in-frame TCC deletion at nucleotide positions 509 to 511. This results in the in-frame deletion of a leucine at codon 170. This alteration has been observed in at least one individual with a personal and/or family history that is consistent with ENG-related disease (Ambry internal data). Based on internal structural analysis, c.509_511delTCC decreases the structural stability of the protein (Ambry internal data). This amino acid position is highly conserved in available vertebrate species. In addition, this alteration is predicted to be deleterious by in silico analysis (Choi Y et al. PLoS ONE. 2012; 7(10):e46688). Based on the majority of available evidence to date, this variant is likely to be pathogenic.

NM_001114753.3(ENG):c.503TCC[2] (p.Leu170del)

Gene: ENG (endoglin; minus strand). Cytogenetic location: 9q34.11.
Variant type: Microsatellite.
Coding change: c.503TCC[2] on transcript NM_001114753.3 (MANE Select); two copies in a row of the 3-base unit TCC starting at c.503; the reference has three copies in a row; one copy, 3 bases deleted.
Protein change: p.Leu170del; deletes leucine 170.
Molecular consequence: inframe deletion. On other transcripts: inframe indel (2), 5 prime UTR variant (1).
Genome position (GRCh38, 1-based): chr9:127,826,522-127,826,524, GGA deleted on the plus strand (TCC on the coding strand, the reverse complement: ENG is on the minus strand); deleting any 3 consecutive bases within chr9:127,826,522-127,826,530 gives the same sequence; the position shown is the placement nearest the transcript's 3' end. VCF-style (leftmost placement, unchanged base first): chr9-127826521-CGGA-C. GRCh37 (hg19) VCF-style: chr9-130588800-CGGA-C.
Other names: c.503_505TCC[2], p.Leu170del (NM_000118.4, NM_001406715.1); c.-44TCC[2] (NM_001278138.2); short protein forms L170del.
Identifiers: ClinVar variation 1745269 (VCV001745269.3), dbSNP rs1830619692, ClinGen allele CA2580616316.